The following is an entry in ClinVar:

NM_000069.3(CACNA1S):c.535G>T (p.Val179Leu)

Gene: CACNA1S (calcium voltage-gated channel subunit alpha1 S; minus strand). Cytogenetic location: 1q32.1.
Variant type: single nucleotide variant.
Coding change: c.535G>T on transcript NM_000069.3 (MANE Select); coding-DNA position 535, G replaced by T.
Protein change: p.Val179Leu; replaces valine 179 with leucine.
Molecular consequence: missense variant.
Genome position (GRCh38, 1-based): chr1:201,091,978, C>A on the plus strand (G>T on the coding strand, the complement: CACNA1S is on the minus strand). VCF-style: chr1-201091978-C-A. GRCh37 (hg19) VCF-style: chr1-201061106-C-A.
Other names: short protein forms V179L.
Identifiers: ClinVar variation 2924655 (VCV002924655.3), dbSNP rs1662250138, ClinGen allele CA344141413.

ClinVar aggregate classification (germline): Uncertain significance (1 of 4 stars; one submission).

Conditions:
Malignant hyperthermia, susceptibility to, 5 (MHS5). Also called: CACNA1S-Related Malignant Hyperthermia Susceptibility. Identifiers: Orphanet 423, MedGen C1866077, MONDO:0011163, OMIM 601887.
Hypokalemic periodic paralysis, type 1. Also called: Hypokalemic Periodic Paralysis Type 1 (AD); HypoPP. Identifiers: Orphanet 681, MedGen C3714580, MONDO:0042979, OMIM 170400.

Submission:

Labcorp Genetics (formerly Invitae), Labcorp
Classification: Uncertain significance for Hypokalemic periodic paralysis, type 1; Malignant hyperthermia, susceptibility to, 5. Last evaluated: 2022-12-09. Review status: criteria provided, single submitter. Criteria: Invitae Variant Classification Sherloc (09022015). Collection method: clinical testing. Allele origin: germline.
Comment: This variant is not present in population databases (gnomAD no frequency). This sequence change replaces valine, which is neutral and non-polar, with leucine, which is neutral and non-polar, at codon 179 of the CACNA1S protein (p.Val179Leu). This variant has not been reported in the literature in individuals affected with CACNA1S-related conditions. In summary, the available evidence is currently insufficient to determine the role of this variant in disease. Therefore, it has been classified as a Variant of Uncertain Significance. Advanced modeling of protein sequence and biophysical properties (such as structural, functional, and spatial information, amino acid conservation, physicochemical variation, residue mobility, and thermodynamic stability) performed at Invitae indicates that this missense variant is not expected to disrupt CACNA1S protein function.